The following is an entry in ClinVar:

NM_007294.4(BRCA1):c.4488A>G (p.Ser1496=)

Gene: BRCA1 (BRCA1 DNA repair associated; minus strand). Cytogenetic location: 17q21.31.
Variant type: single nucleotide variant.
Coding change: c.4488A>G on transcript NM_007294.4 (MANE Select); coding-DNA position 4488, A replaced by G.
Protein change: p.Ser1496=; no amino-acid change (serine 1496 retained).
Molecular consequence: synonymous variant. On other transcripts: intron variant (3).
Genome position (GRCh38, 1-based): chr17:43,074,518, T>C on the plus strand (A>G on the coding strand, the complement: BRCA1 is on the minus strand). VCF-style: chr17-43074518-T-C. GRCh37 (hg19) VCF-style: chr17-41226535-T-C.
Other names: c.915A>G, p.Ser305= (NM_001408500.1, NM_001408501.1, NM_001408498.1 and 3 more transcripts); c.912A>G, p.Ser304= (NM_001408502.1, NM_001408503.1, NM_001408504.1); c.909A>G, p.Ser303= (NM_001408505.1); c.852A>G, p.Ser284= (NM_001408506.1); c.849A>G, p.Ser283= (NM_001408507.1); c.840A>G, p.Ser280= (NM_001408508.1); c.837A>G, p.Ser279= (NM_001408509.1); c.798A>G, p.Ser266= (NM_001408510.1); and 71 more.
Identifiers: ClinVar variation 4533108 (VCV004533108.2).

ClinVar aggregate classification (germline): Conflicting classifications of pathogenicity. Review status: criteria provided, conflicting classifications (1 of 4 stars). 2 submissions from 2 submitters: Uncertain significance (1); Likely benign (1). Last evaluated 2026-01-20.

Conditions:
Hereditary cancer-predisposing syndrome. Also called: Neoplastic Syndromes, Hereditary; Tumor predisposition; Hereditary Cancer Syndrome; Hereditary neoplastic syndrome. Identifiers: Orphanet 140162, MedGen C0027672, MeSH D009386, MONDO:0015356.

Submissions (2):

Ambry Genetics
Classification: Likely benign for Hereditary cancer-predisposing syndrome. Last evaluated: 2026-01-20. Review status: criteria provided, single submitter. Criteria: Ambry Variant Classification Scheme 2023. Collection method: clinical testing. Allele origin: germline.

Quest Diagnostics Nichols Institute San Juan Capistrano
Classification: Uncertain significance. Last evaluated: 2025-05-08. Review status: criteria provided, single submitter. Criteria: Quest Diagnostics criteria. Collection method: clinical testing. Allele origin: unknown.
Comment: The BRCA1 c.4488A>G (p.Ser1496=) synonymous variant has not been reported in individuals with BRCA1-related conditions in the published literature. It also has not been reported in large, multi-ethnic general populations (Genome Aggregation Database). Analysis of this variant using software algorithms for the prediction of the effect of nucleotide changes on splicing yielded predictions that this variant does not affect BRCA1 mRNA splicing. Based on the available information, we are unable to determine the clinical significance of this variant.